The following is an entry in ClinVar:

NM_020436.5(SALL4):c.2788_2789delinsC (p.Gly930fs)

Gene: SALL4 (spalt like transcription factor 4; minus strand). Cytogenetic location: 20q13.2.
Variant type: Indel.
Coding change: c.2788_2789delinsC on transcript NM_020436.5 (MANE Select); coding-DNA positions 2788 to 2789, GG replaced by C.
Protein change: p.Gly930fs; shifts the reading frame from glycine 930.
Molecular consequence: frameshift variant.
Genome position (GRCh38, 1-based): chr20:51,784,638-51,784,639, CC replaced by G on the plus strand (GG replaced by C on the coding strand, the reverse complement: SALL4 is on the minus strand). VCF-style: chr20-51784638-CC-G. GRCh37 (hg19) VCF-style: chr20-50401177-CC-G.
Other names: c.1477_1478delinsC, p.Gly493fs (NM_001318031.2); short protein forms G493fs, G930fs.
Identifiers: ClinVar variation 2630372 (VCV002630372.1), dbSNP rs764244332, ClinGen allele CA2695201413.

ClinVar aggregate classification (germline): Uncertain significance (1 of 4 stars; one submission).

Conditions:
SALL4-Related Disorders. Also called: SALL4-related condition; SALL4-related disorder. Identifiers: MedGen CN381056.

Submission:

PreventionGenetics, part of Exact Sciences
Classification: Uncertain significance for SALL4-related condition. Last evaluated: 2023-02-17. Review status: criteria provided, single submitter. Criteria: ACMG Guidelines, 2015. Collection method: clinical testing. Allele origin: germline.
Comment: The SALL4 c.2788_2789delinsC variant is predicted to result in a frameshift and premature protein termination (p.Gly930Glnfs*13). This variant was reported as an indeterminate finding in an individual from an unascertained exome cohort with putative loss-of-function (pLOF) variants upon retrospective phenotypic review (Table 1, Johnston JJ et al. 2015 PubMed ID: 26046366). This variant is located within the terminal exon of SALL4 and may not undergo nonsense-mediated decay. To our knowledge, no pathogenic downstream variants have been reported in the literature. This variant has not been reported in a large population database, indicating this variant is rare. At this time, the clinical significance of this variant is uncertain due to the absence of conclusive functional and genetic evidence.